The following is an entry in ClinVar:

NM_014915.3(ANKRD26):c.155A>G (p.Lys52Arg)

Genes: ANKRD26 (ankyrin repeat domain containing 26; minus strand), LOC130003554 (ATAC-STARR-seq lymphoblastoid silent region 2243; plus strand). Cytogenetic location: 10p12.1.
Variant type: single nucleotide variant.
Coding change: c.155A>G on transcript NM_014915.3 (MANE Select); coding-DNA position 155, A replaced by G.
Protein change: p.Lys52Arg; replaces lysine 52 with arginine.
Molecular consequence: missense variant.
Genome position (GRCh38, 1-based): chr10:27,100,172, T>C on the plus strand (A>G on the coding strand, the complement: ANKRD26 is on the minus strand). VCF-style: chr10-27100172-T-C. GRCh37 (hg19) VCF-style: chr10-27389101-T-C.
Other names: c.155A>G, p.Lys52Arg (NM_001256053.2); short protein forms K52R.
Identifiers: ClinVar variation 3869813 (VCV003869813.1).
Genomic context (GRCh38, chr10:27,100,172, plus strand): 5'-CCATTCTTCCTGAGCAAAAGGATCTGCTGCACTTTCGCCACATTACCCGCGCTGGCAGCT[T>C]TGTGGATCTTGCCGAGATCTCGGTCTCGGACGTGGTAGCCGGGCTGCGAGTAGGCGCCCT-3'
Protein context (NP_055730.2, residues 42-62): VRDRDLGKIH[Lys52Arg]AASAGNVAKV

ClinVar aggregate classification (germline): Uncertain significance (1 of 4 stars; one submission).

Conditions:
Inborn genetic diseases. Identifiers: MedGen C0950123, MeSH D030342.

Submission:

Ambry Genetics
Classification: Uncertain significance for Inborn genetic diseases. Last evaluated: 2024-12-29. Review status: criteria provided, single submitter. Criteria: Ambry Variant Classification Scheme 2023. Collection method: clinical testing. Allele origin: germline.
Comment: The p.K52R variant (also known as c.155A>G), located in coding exon 1 of the ANKRD26 gene, results from an A to G substitution at nucleotide position 155. The lysine at codon 52 is replaced by arginine, an amino acid with highly similar properties. This amino acid position is conserved. In addition, this alteration is predicted to be tolerated by in silico analysis. Based on the available evidence, the clinical significance of this variant remains unclear.